The following is an entry in ClinVar:

ClinVar aggregate classification (germline): Uncertain significance. Review status: criteria provided, multiple submitters, no conflicts (2 of 4 stars). 2 submissions from 2 submitters: Uncertain significance (2). Last evaluated 2025-12-01.

Conditions:
POLD1-related polyposis and colorectal cancer syndrome (CRCS10). Also called: Colorectal cancer 10; COLORECTAL CANCER, SUSCEPTIBILITY TO, ON CHROMOSOME 19q; Colorectal cancer, susceptibility to, 10. Identifiers: Orphanet 220460, MedGen C2675481, MONDO:0012953, OMIM 612591.
Hereditary cancer-predisposing syndrome. Also called: Tumor predisposition; Hereditary Cancer Syndrome; Hereditary neoplastic syndrome; Neoplastic Syndromes, Hereditary. Identifiers: Orphanet 140162, MedGen C0027672, MeSH D009386, MONDO:0015356.

Submissions (2):

Labcorp Genetics (formerly Invitae), Labcorp
Classification: Uncertain significance for POLD1-related polyposis and colorectal cancer syndrome. Last evaluated: 2025-12-01. Review status: criteria provided, single submitter. Criteria: Invitae Variant Classification Sherloc (09022015). Collection method: clinical testing. Allele origin: germline.
Comment: This sequence change replaces leucine, which is neutral and non-polar, with phenylalanine, which is neutral and non-polar, at codon 469 of the POLD1 protein (p.Leu469Phe). This variant is not present in population databases (gnomAD no frequency). This variant has not been reported in the literature in individuals affected with POLD1-related conditions. ClinVar contains an entry for this variant (Variation ID: 854486). Invitae Evidence Modeling of protein sequence and biophysical properties (such as structural, functional, and spatial information, amino acid conservation, physicochemical variation, residue mobility, and thermodynamic stability) indicates that this missense variant is expected to disrupt POLD1 protein function with a positive predictive value of 80%. In summary, the available evidence is currently insufficient to determine the role of this variant in disease. Therefore, it has been classified as a Variant of Uncertain Significance.

Ambry Genetics
Classification: Uncertain significance for Hereditary cancer-predisposing syndrome. Last evaluated: 2019-08-06. Review status: criteria provided, single submitter. Criteria: Ambry Variant Classification Scheme 2023. Collection method: clinical testing. Allele origin: germline.
Comment: The p.L469F variant (also known as c.1405C>T), located in coding exon 11 of the POLD1 gene, results from a C to T substitution at nucleotide position 1405. The leucine at codon 469 is replaced by phenylalanine, an amino acid with highly similar properties. This amino acid position is highly conserved in available vertebrate species. In addition, this alteration is predicted to be tolerated by in silico analysis. Since supporting evidence is limited at this time, the clinical significance of this alteration remains unclear.

NM_002691.4(POLD1):c.1405C>T (p.Leu469Phe)

Gene: POLD1 (DNA polymerase delta 1, catalytic subunit; plus strand). Cytogenetic location: 19q13.33.
Variant type: single nucleotide variant.
Coding change: c.1405C>T on transcript NM_002691.4 (MANE Select); coding-DNA position 1405, C replaced by T.
Protein change: p.Leu469Phe; replaces leucine 469 with phenylalanine.
Molecular consequence: missense variant. On other transcripts: non-coding transcript variant (1).
Genome position (GRCh38, 1-based): chr19:50,406,428, C>T. VCF-style: chr19-50406428-C-T. GRCh37 (hg19) VCF-style: chr19-50909685-C-T.
Other names: c.1405C>T, p.Leu469Phe (NM_001256849.1, NM_001308632.1); short protein forms L469F.
Identifiers: ClinVar variation 854486 (VCV000854486.12), dbSNP rs2038885561, ClinGen allele CA406980052.